The following is an entry in ClinVar:

ClinVar aggregate classification (germline): Uncertain significance (1 of 4 stars; one submission).

Submission:

Labcorp Genetics (formerly Invitae), Labcorp
Classification: Uncertain significance. Last evaluated: 2023-04-12. Review status: criteria provided, single submitter. Criteria: Invitae Variant Classification Sherloc (09022015). Collection method: clinical testing. Allele origin: germline.
Comment: In summary, the available evidence is currently insufficient to determine the role of this variant in disease. Therefore, it has been classified as a Variant of Uncertain Significance. An algorithm developed to predict the effect of missense changes on protein structure and function (PolyPhen-2) suggests that this variant is likely to be tolerated. This variant has not been reported in the literature in individuals affected with ANKRD26-related conditions. This variant is not present in population databases (gnomAD no frequency). This sequence change replaces arginine, which is basic and polar, with serine, which is neutral and polar, at codon 289 of the ANKRD26 protein (p.Arg289Ser).

NM_014915.3(ANKRD26):c.867G>C (p.Arg289Ser)

Gene: ANKRD26 (ankyrin repeat domain 26; minus strand). Cytogenetic location: 10p12.1.
Variant type: single nucleotide variant.
Coding change: c.867G>C on transcript NM_014915.3 (MANE Select); coding-DNA position 867, G replaced by C.
Protein change: p.Arg289Ser; replaces arginine 289 with serine.
Molecular consequence: missense variant.
Genome position (GRCh38, 1-based): chr10:27,077,640, C>G on the plus strand (G>C on the coding strand, the complement: ANKRD26 is on the minus strand). VCF-style: chr10-27077640-C-G. GRCh37 (hg19) VCF-style: chr10-27366569-C-G.
Other names: c.867G>C, p.Arg289Ser (NM_001256053.2); short protein forms R289S.
Identifiers: ClinVar variation 2855683 (VCV002855683.3), dbSNP rs1276406141, ClinGen allele CA376362239.